The following is an entry in ClinVar:

ClinVar aggregate classification (germline): Uncertain significance (1 of 4 stars; one submission).

Conditions:
Combined immunodeficiency due to STIM1 deficiency. Also called: STIM1 DEFICIENCY; IMMUNODEFICIENCY 10. Identifiers: Orphanet 169090, Orphanet 317430, MedGen C2748557, MONDO:0013008, OMIM 612783.
Myopathy with tubular aggregates (TAM). Also called: Tubular Aggregate Myopathy. Identifiers: Orphanet 2593, MedGen C0410207, MONDO:0008051.
Stormorken syndrome (STRMK). Also called: THROMBOCYTOPATHY, ASPLENIA, AND MIOSIS. Identifiers: Orphanet 3204, MedGen C1861451, MONDO:0008497, OMIM 185070.

Allele frequency attached by ClinVar (database versions not stated): gnomAD exomes 0.00001 and below 0.00001; ExAC 0.00002; gnomAD 0.00001.
gnomAD v4.1: 5 of 1,612,972 alleles (0.00031%); highest among the groups gnomAD compares: South Asian, 0.0044%; no homozygotes.

Submission:

Labcorp Genetics (formerly Invitae), Labcorp
Classification: Uncertain significance for Myopathy with tubular aggregates; Combined immunodeficiency due to STIM1 deficiency; Stormorken syndrome. Last evaluated: 2021-02-27. Review status: criteria provided, single submitter. Criteria: Invitae Variant Classification Sherloc (09022015). Collection method: clinical testing. Allele origin: germline.
Comment: This sequence change replaces serine with cysteine at codon 667 of the STIM1 protein (p.Ser667Cys). The serine residue is weakly conserved and there is a moderate physicochemical difference between serine and cysteine. This variant is present in population databases (rs766934652, ExAC 0.01%). This variant has not been reported in the literature in individuals with STIM1-related conditions. Algorithms developed to predict the effect of missense changes on protein structure and function are either unavailable or do not agree on the potential impact of this missense change (SIFT: "Tolerated"; PolyPhen-2: "Possibly Damaging"; Align-GVGD: "Class C0"). In summary, the available evidence is currently insufficient to determine the role of this variant in disease. Therefore, it has been classified as a Variant of Uncertain Significance.

NM_001382567.1(STIM1):c.2093C>G (p.Ser698Cys)

Genes: STIM1 (stromal interaction molecule 1; plus strand), LOC124418421 (Sharpr-MPRA regulatory region 9588; plus strand). Cytogenetic location: 11p15.4.
Variant type: single nucleotide variant.
Coding change: c.2093C>G on transcript NM_001382567.1 (MANE Select); coding-DNA position 2093, C replaced by G.
Protein change: p.Ser698Cys; replaces serine 698 with cysteine.
Molecular consequence: missense variant. On other transcripts: 3 prime UTR variant (4), non-coding transcript variant (3).
Genome position (GRCh38, 1-based): chr11:4,091,740, C>G. VCF-style: chr11-4091740-C-G. GRCh37 (hg19) VCF-style: chr11-4112970-C-G.
Other names: c.2318C>G, p.Ser773Cys (NM_001277961.3); c.*414C>G (NM_001277962.2, NM_001382578.1, NM_001382579.1 and 1 more transcripts); c.2096C>G, p.Ser699Cys (NM_001382566.1); c.2021C>G, p.Ser674Cys (NM_001382568.1); c.1865C>G, p.Ser622Cys (NM_001382569.1); c.1772C>G, p.Ser591Cys (NM_001382570.1); c.1520C>G, p.Ser507Cys (NM_001382571.1); c.1778C>G, p.Ser593Cys (NM_001382575.1, NM_001382576.1, NM_001382577.1); and 2 more; short protein forms S593C, S622C, S667C, S773C, S507C, S674C, S699C, S504C.
Identifiers: ClinVar variation 1376063 (VCV001376063.8), dbSNP rs766934652, ClinGen allele CA5830666.